The following is an entry in ClinVar:

NM_000179.3(MSH6):c.154_170dup (p.Pro59fs)

Gene: MSH6 (mutS homolog 6; plus strand). Cytogenetic location: 2p16.3.
Variant type: Duplication.
Coding change: c.154_170dup on transcript NM_000179.3 (MANE Select); coding-DNA positions 154 to 170, 17 bases duplicated (GAGGCTGGGCCTGGGCC).
Protein change: p.Pro59fs; shifts the reading frame from proline 59.
Molecular consequence: frameshift variant. On other transcripts: 5 prime UTR variant (7), non-coding transcript variant (5), intron variant (5).
Genome position (GRCh38, 1-based): chr2:47,783,387-47,783,403, GAGGCTGGGCCTGGGCC duplicated; duplicating any 17 consecutive bases within chr2:47,783,386-47,783,403 gives the same sequence; the c. name uses the placement nearest the transcript's 3' end. VCF-style (leftmost placement, unchanged base first): chr2-47783385-G-GCGAGGCTGGGCCTGGGC. GRCh37 (hg19) VCF-style: chr2-48010524-G-GCGAGGCTGGGCCTGGGC.
Other names: c.154_170dup, p.Pro59fs (NM_001281492.2, NM_001406795.1, NM_001406796.1 and 9 more transcripts); c.-583_-567dup (NM_001281493.2, NM_001406811.1); c.-175_-159dup (NM_001406799.1); c.99_115dup, p.Pro39fs (NM_001406804.1); c.-775_-759dup (NM_001406807.1); c.-430_-414dup (NM_001406812.1); c.-841_-825dup (NM_001406814.1); c.-386_-370dup (NM_001406816.1); and 3 more; short protein forms P39fs, P59fs.
Identifiers: ClinVar variation 3248650 (VCV003248650.1), dbSNP rs2530319288.

ClinVar aggregate classification (germline): Pathogenic (1 of 4 stars; one submission).

Conditions:
Inherited MMR deficiency (Lynch syndrome).

Submission:

Genomics and Molecular Medicine Service, East Genomic Laboratory Hub, NHS Genomic Medicine Service
Classification: Pathogenic for Inherited MMR deficiency (Lynch syndrome). Last evaluated: 2024-05-29. Review status: criteria provided, single submitter. Criteria: ACGS Best Practice Guidelines for Variant Classification in Rare Disease 2020. Collection method: clinical testing. Allele origin: germline. Affected: yes.
Comment: PVS1,PM2_Supporting,PP4_Moderate